The following is an entry in ClinVar:

NM_173628.4(DNAH17):c.2888T>C (p.Ile963Thr)

Genes: DNAH17 (dynein axonemal heavy chain 17; minus strand), LOC126862656 (MED14-independent group 3 enhancer GRCh37_chr17:76528450-76529649; plus strand). Cytogenetic location: 17q25.3.
Variant type: single nucleotide variant.
Coding change: c.2888T>C on transcript NM_173628.4 (MANE Select); coding-DNA position 2888, T replaced by C.
Protein change: p.Ile963Thr; replaces isoleucine 963 with threonine.
Molecular consequence: missense variant.
Genome position (GRCh38, 1-based): chr17:78,532,708, A>G on the plus strand (T>C on the coding strand, the complement: DNAH17 is on the minus strand). VCF-style: chr17-78532708-A-G. GRCh37 (hg19) VCF-style: chr17-76528790-A-G.
Other names: short protein forms I963T.
Identifiers: ClinVar variation 402697 (VCV000402697.9), dbSNP rs11651537, ClinGen allele CA8804437.

ClinVar aggregate classification (germline): Benign. Review status: criteria provided, multiple submitters, no conflicts (2 of 4 stars). 4 submissions from 4 submitters: Benign (3). 1 of the submissions does not count toward it. Last evaluated 2021-05-04.

Conditions:
DNAH17-related disorder. Also called: DNAH17-related condition.

Allele frequency attached by ClinVar (database versions not stated): ESP Exome Variant Server 0.52074; ExAC 0.52359; 1000 Genomes Project 0.45887; 1000 Genomes Project 30x 0.46518; TOPMed 0.49863; gnomAD 0.51175.
gnomAD v4.1: 816,966 of 1,590,510 alleles (51%); highest among the groups gnomAD compares: Middle Eastern, 54%; 211,095 homozygotes.

Submissions (4):

GeneDx
Classification: Benign. Last evaluated: 2021-05-04. Review status: criteria provided, single submitter. Criteria: GeneDx Variant Classification Process June 2021. Collection method: clinical testing. Allele origin: germline. Affected: yes.

Laboratory for Molecular Medicine, Mass General Brigham Personalized Medicine
Classification: Benign. Last evaluated: 2016-03-29. Review status: criteria provided, single submitter. Criteria: LMM Criteria. Collection method: clinical testing. Allele origin: germline.
Comment: Variant identified in a genome or exome case(s) and assessed due to predicted null impact of the variant or pathogenic assertions in the literature or databases. Disclaimer: This variant has not undergone full assessment. The following are preliminary notes: Frequency

Breakthrough Genomics
Classification: Benign. Review status: criteria provided, single submitter. Criteria: ACMG Guidelines, 2015. Collection method: not provided. Allele origin: germline. Inheritance: Autosomal recessive inheritance. Affected: yes.

PreventionGenetics, part of Exact Sciences
Classification: Benign for DNAH17-related condition. Last evaluated: 2019-10-17. Review status: no assertion criteria provided. Collection method: clinical testing. Allele origin: germline. Not counted in ClinVar's aggregate classification.
Comment: This variant is classified as benign based on ACMG/AMP sequence variant interpretation guidelines (Richards et al. 2015 PMID: 25741868, with internal and published modifications).